The following is an entry in ClinVar:

ClinVar aggregate classification (germline): Uncertain significance. Review status: criteria provided, multiple submitters, no conflicts (2 of 4 stars). 2 submissions from 2 submitters: Uncertain significance (2). Last evaluated 2024-06-21.

Conditions:
Hereditary cancer-predisposing syndrome. Also called: Tumor predisposition; Neoplastic Syndromes, Hereditary; Hereditary Cancer Syndrome; Hereditary neoplastic syndrome. Identifiers: Orphanet 140162, MedGen C0027672, MeSH D009386, MONDO:0015356.
Tuberous sclerosis 1 (TSC1). Identifiers: Orphanet 805, MedGen C1854465, MONDO:0008612, OMIM 191100.

Submissions (2):

Labcorp Genetics (formerly Invitae), Labcorp
Classification: Uncertain significance for Tuberous sclerosis 1. Last evaluated: 2024-06-21. Review status: criteria provided, single submitter. Criteria: Invitae Variant Classification Sherloc (09022015). Collection method: clinical testing. Allele origin: germline.
Comment: This sequence change replaces glutamic acid, which is acidic and polar, with lysine, which is basic and polar, at codon 1017 of the TSC1 protein (p.Glu1017Lys). This variant is not present in population databases (gnomAD no frequency). This variant has not been reported in the literature in individuals affected with TSC1-related conditions. ClinVar contains an entry for this variant (Variation ID: 486576). Advanced modeling of protein sequence and biophysical properties (such as structural, functional, and spatial information, amino acid conservation, physicochemical variation, residue mobility, and thermodynamic stability) performed at Invitae indicates that this missense variant is not expected to disrupt TSC1 protein function with a negative predictive value of 95%. Algorithms developed to predict the effect of sequence changes on RNA splicing suggest that this variant may create or strengthen a splice site. In summary, the available evidence is currently insufficient to determine the role of this variant in disease. Therefore, it has been classified as a Variant of Uncertain Significance.

Ambry Genetics
Classification: Uncertain significance for Hereditary cancer-predisposing syndrome. Last evaluated: 2016-01-20. Review status: criteria provided, single submitter. Criteria: Ambry Variant Classification Scheme 2023. Collection method: clinical testing. Allele origin: germline.
Comment: The p.E1017K variant (also known as c.3049G>A), located in coding exon 21 of the TSC1 gene, results from a G to A substitution at nucleotide position 3049. The glutamic acid at codon 1017 is replaced by lysine, an amino acid with similar properties. This variant was not reported in population based cohorts in the following databases: Database of Single Nucleotide Polymorphisms (dbSNP), NHLBI Exome Sequencing Project (ESP), and 1000 Genomes Project. In the ESP, this variant was not observed in 6503 samples (13006 alleles) with coverage at this position. To date, this alteration has been detected with an allele frequency of approximately 0.01% (greater than 10000 alleles tested) in our clinical cohort. This amino acid position is highly conserved in available vertebrate species. In addition, this alteration is predicted to be deleterious by in silico analysis. Since supporting evidence is limited at this time, the clinical significance of this alteration remains unclear.

NM_000368.5(TSC1):c.3049G>A (p.Glu1017Lys)

Gene: TSC1 (TSC complex subunit 1; minus strand). Cytogenetic location: 9q34.13.
Variant type: single nucleotide variant.
Coding change: c.3049G>A on transcript NM_000368.5 (MANE Select); coding-DNA position 3049, G replaced by A.
Protein change: p.Glu1017Lys; replaces glutamic acid 1017 with lysine.
Molecular consequence: missense variant.
Genome position (GRCh38, 1-based): chr9:132,896,681, C>T on the plus strand (G>A on the coding strand, the complement: TSC1 is on the minus strand). VCF-style: chr9-132896681-C-T. GRCh37 (hg19) VCF-style: chr9-135772068-C-T.
Other names: c.3046G>A, p.Glu1016Lys (NM_001162426.2); c.2896G>A, p.Glu966Lys (NM_001162427.2); c.2686G>A, p.Glu896Lys (NM_001362177.2); short protein forms E1017K, E896K, E966K, E1016K.
Identifiers: ClinVar variation 486576 (VCV000486576.10), dbSNP rs1554812930, ClinGen allele CA375367712.